The following is an entry in ClinVar:

NM_001563.4(IMPG1):c.202A>G (p.Thr68Ala)

Gene: IMPG1 (interphotoreceptor matrix proteoglycan 1; minus strand). Cytogenetic location: 6q14.1.
Variant type: single nucleotide variant.
Coding change: c.202A>G on transcript NM_001563.4 (MANE Select); coding-DNA position 202, A replaced by G.
Protein change: p.Thr68Ala; replaces threonine 68 with alanine.
Molecular consequence: missense variant. On other transcripts: intron variant (1).
Genome position (GRCh38, 1-based): chr6:76,041,992, T>C on the plus strand (A>G on the coding strand, the complement: IMPG1 is on the minus strand). VCF-style: chr6-76041992-T-C. GRCh37 (hg19) VCF-style: chr6-76751709-T-C.
Other names: c.68-7205A>G (NM_001282368.2); short protein forms T68A.
Identifiers: ClinVar variation 2700472 (VCV002700472.3), dbSNP rs1783851633, ClinGen allele CA364829745.
Genomic context (GRCh38, chr6:76,041,992, plus strand): 5'-GTTTCATGGATTCCTGTGGACAGACTTTAACCCCCGTTGGGAAAAATGCGGATCTTTTTG[T>C]TCGATGCTTTGCCAAATCGAATATTCGTCTCATAGTTGACATTTTGTACATTTTTTCAGT-3'
Protein context (NP_001554.2, residues 58-78): RRIFDLAKHR[Thr68Ala]KRSAFFPTGV

ClinVar aggregate classification (germline): Uncertain significance (1 of 4 stars; one submission).

Allele frequency attached by ClinVar (database versions not stated): TOPMed below 0.00001; gnomAD exomes 0.00001.
gnomAD v4.1: 3 of 1,614,062 alleles (0.00019%); highest among the groups gnomAD compares: Admixed American, 0.0017%; no homozygotes.

Submission:

Labcorp Genetics (formerly Invitae), Labcorp
Classification: Uncertain significance. Last evaluated: 2023-11-27. Review status: criteria provided, single submitter. Criteria: Invitae Variant Classification Sherloc (09022015). Collection method: clinical testing. Allele origin: germline.
Comment: This sequence change replaces threonine, which is neutral and polar, with alanine, which is neutral and non-polar, at codon 68 of the IMPG1 protein (p.Thr68Ala). This variant is not present in population databases (gnomAD no frequency). This variant has not been reported in the literature in individuals affected with IMPG1-related conditions. Algorithms developed to predict the effect of missense changes on protein structure and function output the following: SIFT: "Not Available"; PolyPhen-2: "Benign"; Align-GVGD: "Not Available". The alanine amino acid residue is found in multiple mammalian species, which suggests that this missense change does not adversely affect protein function. In summary, the available evidence is currently insufficient to determine the role of this variant in disease. Therefore, it has been classified as a Variant of Uncertain Significance.